The following is an entry in ClinVar:

NM_002180.3(IGHMBP2):c.548-223C>T

Gene: IGHMBP2 (immunoglobulin mu DNA binding protein 2; plus strand). Cytogenetic location: 11q13.3.
Variant type: single nucleotide variant.
Coding change: c.548-223C>T on transcript NM_002180.3 (MANE Select); 223 bases into the intron before coding-DNA position 548, C replaced by T.
Molecular consequence: intron variant.
Genome position (GRCh38, 1-based): chr11:68,911,217, C>T. VCF-style: chr11-68911217-C-T. GRCh37 (hg19) VCF-style: chr11-68678685-C-T.
Identifiers: ClinVar variation 679039 (VCV000679039.1), dbSNP rs149249976, ClinGen allele CA223388689.

ClinVar aggregate classification (germline): Likely benign (1 of 4 stars; one submission).

Allele frequency attached by ClinVar (database versions not stated): gnomAD 0.00447 and 0.00475; TOPMed 0.00504; 1000 Genomes Project 0.00619; 1000 Genomes Project 30x 0.00671.
gnomAD v4.1: 676 of 152,260 alleles (0.44%); highest among the groups gnomAD compares: African/African-American, 1.5%; 5 homozygotes.

Submission:

GeneDx
Classification: Likely benign. Last evaluated: 2018-06-16. Review status: criteria provided, single submitter. Criteria: GeneDx Variant Classification (06012015). Collection method: clinical testing. Allele origin: germline. Affected: yes.
Comment: This variant is considered likely benign or benign based on one or more of the following criteria: it is a conservative change, it occurs at a poorly conserved position in the protein, it is predicted to be benign by multiple in silico algorithms, and/or has population frequency not consistent with disease.